The following is an entry in ClinVar:

NM_001025356.3(ANO6):c.2028C>T (p.Phe676=)

Gene: ANO6 (anoctamin 6; plus strand). Cytogenetic location: 12q12.
Variant type: single nucleotide variant.
Coding change: c.2028C>T on transcript NM_001025356.3 (MANE Select); coding-DNA position 2028, C replaced by T.
Protein change: p.Phe676=; no amino-acid change (phenylalanine 676 retained).
Molecular consequence: synonymous variant.
Genome position (GRCh38, 1-based): chr12:45,416,715, C>T. VCF-style: chr12-45416715-C-T. GRCh37 (hg19) VCF-style: chr12-45810498-C-T.
Other names: p.Phe676=; c.2028C>T (NM_001025356.2); c.1974C>T, p.Phe658= (NM_001142678.2); c.2028C>T, p.Phe676= (NM_001142679.2); c.2091C>T, p.Phe697= (NM_001204803.2); c.1995C>T, p.Phe665= (NM_001410973.1).
Identifiers: ClinVar variation 2065773 (VCV002065773.6), dbSNP rs12308034, ClinGen allele CA6525503.

ClinVar aggregate classification (germline): Conflicting classifications of pathogenicity. Review status: criteria provided, conflicting classifications (1 of 4 stars). 3 submissions from 3 submitters: Uncertain significance (1); Benign (1); Likely benign (1). Last evaluated 2026-03-17.

Conditions:
ANO6-related disorder. Also called: ANO6-related condition.

Allele frequency attached by ClinVar (database versions not stated): gnomAD exomes 0.00012; ExAC 0.00027; 1000 Genomes Project 30x 0.00062; 1000 Genomes Project 0.00080; gnomAD 0.00092; TOPMed 0.00103; ESP Exome Variant Server 0.00108.
gnomAD v4.1: 328 of 1,614,038 alleles (0.02%); highest among the groups gnomAD compares: African/African-American, 0.31%; no homozygotes.

Submissions (3):

PreventionGenetics, part of Exact Sciences
Classification: Likely benign for ANO6-related condition. Last evaluated: 2026-03-17. Review status: criteria provided, single submitter. Criteria: ACMG Guidelines, 2015. Collection method: clinical testing. Allele origin: germline.
Comment: This variant is classified as likely benign based on ACMG/AMP sequence variant interpretation guidelines (Richards et al. 2015 PMID: 25741868, with internal and published modifications).

Labcorp Genetics (formerly Invitae), Labcorp
Classification: Benign. Last evaluated: 2025-11-27. Review status: criteria provided, single submitter. Criteria: Invitae Variant Classification Sherloc (09022015). Collection method: clinical testing. Allele origin: germline.

Mayo Clinic Laboratories, Mayo Clinic
Classification: Uncertain significance. Last evaluated: 2023-09-07. Review status: criteria provided, single submitter. Criteria: ACMG Guidelines, 2015. Collection method: clinical testing. Allele origin: germline. Observed: 1 variant allele.